The following is an entry in ClinVar:

NM_004006.3(DMD):c.5024T>A (p.Leu1675Ter)

Gene: DMD (dystrophin; minus strand). Cytogenetic location: Xp21.1.
Variant type: single nucleotide variant.
Coding change: c.5024T>A on transcript NM_004006.3 (MANE Select); coding-DNA position 5024, T replaced by A.
Protein change: p.Leu1675Ter; replaces leucine 1675 with a stop codon.
Molecular consequence: nonsense.
Genome position (GRCh38, 1-based): chrX:32,365,021, A>T on the plus strand (T>A on the coding strand, the complement: DMD is on the minus strand). VCF-style: chrX-32365021-A-T. GRCh37 (hg19) VCF-style: chrX-32383138-A-T.
Other names: c.5000T>A, p.Leu1667Ter (NM_000109.4); c.5012T>A, p.Leu1671Ter (NM_004009.3); c.4655T>A, p.Leu1552Ter (NM_004010.3); c.1001T>A, p.Leu334Ter (NM_004011.4); c.992T>A, p.Leu331Ter (NM_004012.4); short protein forms L1675*, L334*, L1552*, L331*, L1667*, L1671*.
Identifiers: ClinVar variation 546041 (VCV000546041.6), dbSNP rs1557305418, ClinGen allele CA412671746.

ClinVar aggregate classification (germline): Pathogenic (1 of 4 stars; one submission).

Submission:

GeneDx
Classification: Pathogenic. Last evaluated: 2023-08-08. Review status: criteria provided, single submitter. Criteria: GeneDx Variant Classification Process June 2021. Collection method: clinical testing. Allele origin: germline. Affected: yes.
Comment: Nonsense variant predicted to result in protein truncation or nonsense mediated decay in a gene for which loss-of-function is a known mechanism of disease; Not observed in large population cohorts (gnomAD); Based on the understanding of this genetic alteration, it may be amenable to nonsense read-through therapy that is currently available or in clinical trial; Has not been previously published as pathogenic or benign to our knowledge; This variant is associated with the following publications: (PMID: 32436198)